The following is an entry in ClinVar:

ClinVar aggregate classification (germline): Pathogenic/Likely pathogenic. Review status: criteria provided, multiple submitters, no conflicts (2 of 4 stars). 2 submissions from 2 submitters: Pathogenic (1); Likely pathogenic (1). Last evaluated 2025-09-04.

Conditions:
Cerebral folate transport deficiency. Also called: NEURODEGENERATION DUE TO CEREBRAL FOLATE TRANSPORT DEFICIENCY; FOLR1-Related Cerebral Folate Transport Deficiency; Cerebral folate deficiency syndrome; FOLATE RECEPTOR DEFICIENCY; Neurodegenerative syndrome due to cerebral folate transport deficiency. Identifiers: Orphanet 217382, MedGen C2751584, MONDO:0013110, OMIM 613068. Disease mechanism: loss of function.

Submissions (2):

First Genomix Gene Laboratory, Genetic Diagnostics Department
Classification: Likely pathogenic for Cerebral folate transport deficiency. Last evaluated: 2025-09-04. Review status: criteria provided, single submitter. Criteria: ACMG Guidelines, 2015. Collection method: clinical testing. Allele origin: germline. Inheritance: Autosomal recessive inheritance. Affected: no. Observed: 1 variant allele.

Labcorp Genetics (formerly Invitae), Labcorp
Classification: Pathogenic for Cerebral folate transport deficiency. Last evaluated: 2025-08-21. Review status: criteria provided, single submitter. Criteria: Invitae Variant Classification Sherloc (09022015). Collection method: clinical testing. Allele origin: germline.
Comment: This sequence change replaces tryptophan, which is neutral and slightly polar, with glycine, which is neutral and non-polar, at codon 156 of the FOLR1 protein (p.Trp156Gly). Information on the frequency of this variant in the gnomAD database is not available, as this variant may be reported differently in the database. This missense change has been observed in individuals with clinical features of cerebral folate deficiency (PMID: 24091540, 27328863, 27743887, 34177756, 37443037; internal data). It has also been observed to segregate with disease in related individuals. ClinVar contains an entry for this variant (Variation ID: 639442). Experimental studies and prediction algorithms are not available or were not evaluated, and the functional significance of this variant is currently unknown. For these reasons, this variant has been classified as Pathogenic.

Literature cited by the submitters: PubMed 24091540 (cited by Labcorp Genetics (formerly Invitae), Labcorp); PubMed 27328863 (cited by Labcorp Genetics (formerly Invitae), Labcorp); PubMed 27743887 (cited by Labcorp Genetics (formerly Invitae), Labcorp); PubMed 34177756 (cited by Labcorp Genetics (formerly Invitae), Labcorp); PubMed 37443037 (cited by Labcorp Genetics (formerly Invitae), Labcorp).

NM_016729.3(FOLR1):c.465_466delinsTG (p.Trp156Gly)

Genes: FOLR1 (folate receptor alpha; plus strand), FOLR1-AS1 (FOLR1 antisense RNA 1; minus strand). Cytogenetic location: 11q13.4.
Variant type: Indel.
Coding change: c.465_466delinsTG on transcript NM_016729.3 (MANE Select); coding-DNA positions 465 to 466, CT replaced by TG.
Protein change: p.Trp156Gly; replaces tryptophan 156 with glycine.
Molecular consequence: missense variant.
Genome position (GRCh38, 1-based): chr11:72,195,719-72,195,720, CT replaced by TG. VCF-style: chr11-72195719-CT-TG. GRCh37 (hg19) VCF-style: chr11-71906763-CT-TG.
Other names: c.465_466delinsTG, p.Trp156Gly (NM_000802.3, NM_016724.3, NM_016725.3); short protein forms W156G.
Identifiers: ClinVar variation 639442 (VCV000639442.11), dbSNP rs1591246507, ClinGen allele CA915948239.